The following is an entry in ClinVar:

NM_007294.4(BRCA1):c.2173A>G (p.Ser725Gly)

Gene: BRCA1 (BRCA1 DNA repair associated; minus strand). Cytogenetic location: 17q21.31.
Variant type: single nucleotide variant.
Coding change: c.2173A>G on transcript NM_007294.4 (MANE Select); coding-DNA position 2173, A replaced by G.
Protein change: p.Ser725Gly; replaces serine 725 with glycine.
Molecular consequence: missense variant. On other transcripts: intron variant (137).
Genome position (GRCh38, 1-based): chr17:43,093,358, T>C on the plus strand (A>G on the coding strand, the complement: BRCA1 is on the minus strand). VCF-style: chr17-43093358-T-C. GRCh37 (hg19) VCF-style: chr17-41245375-T-C.
Other names: c.2173A>G, p.Ser725Gly (NM_001407625.1, NM_001407626.1, NM_001407639.1 and 30 more transcripts); c.2170A>G, p.Ser724Gly (NM_001407627.1, NM_001407628.1, NM_001407629.1 and 22 more transcripts); c.2164A>G, p.Ser722Gly (NM_001407647.1, NM_001407646.1); c.2050A>G, p.Ser684Gly (NM_001407648.1, NM_001407919.1, NM_001407937.1 and 19 more transcripts); c.1963A>G, p.Ser655Gly (NM_001407909.1, NM_001407910.1, NM_001407879.1 and 13 more transcripts); c.1960A>G, p.Ser654Gly (NM_001407915.1, NM_001407916.1, NM_001407917.1 and 9 more transcripts); c.1909A>G, p.Ser637Gly (NM_001407920.1, NM_001407921.1, NM_001407922.1 and 9 more transcripts); c.1906A>G, p.Ser636Gly (NM_001407930.1, NM_001407931.1, NM_001407932.1 and 2 more transcripts); and 41 more; short protein forms S725G, S678G, S557G, S636G, S654G, S655G, S724G, S429G.
Identifiers: ClinVar variation 438917 (VCV000438917.18), dbSNP rs1555590290, ClinGen allele CA10597658.

ClinVar aggregate classification (germline): Conflicting classifications of pathogenicity. Review status: criteria provided, conflicting classifications (1 of 4 stars). 4 submissions from 4 submitters: Uncertain significance (2); Benign (1); Likely benign (1). Last evaluated 2025-10-26.

Conditions:
Hereditary cancer-predisposing syndrome. Also called: Hereditary neoplastic syndrome; Hereditary Cancer Syndrome; Tumor predisposition; Neoplastic Syndromes, Hereditary. Identifiers: Orphanet 140162, MedGen C0027672, MeSH D009386, MONDO:0015356.
Hereditary breast ovarian cancer syndrome. Also called: Breast and ovarian cancer; Hereditary breast and ovarian cancer; BRCA1- and BRCA2-Associated Hereditary Breast and Ovarian Cancer; Hereditary breast and/or ovarian cancer syndrome; Hereditary breast and ovarian cancer syndrome; Hereditary breast and ovarian cancer syndrome (HBOC). Identifiers: Orphanet 145, MedGen C0677776, MeSH D061325, MONDO:0003582. Disease mechanism: loss of function.

Submissions (4):

Ambry Genetics
Classification: Uncertain significance for Hereditary cancer-predisposing syndrome. Last evaluated: 2025-10-26. Review status: criteria provided, single submitter. Criteria: Ambry Variant Classification Scheme 2023. Collection method: clinical testing. Allele origin: germline.
Comment: The p.S725G variant (also known as c.2173A>G), located in coding exon 9 of the BRCA1 gene, results from an A to G substitution at nucleotide position 2173. The serine at codon 725 is replaced by glycine, an amino acid with similar properties. In addition, this alteration is predicted to be tolerated by in silico analysis. Since supporting evidence is limited at this time, the clinical significance of this alteration remains unclear.

University of Washington Department of Laboratory Medicine, University of Washington
Classification: Likely benign for Hereditary cancer-predisposing syndrome. Last evaluated: 2023-03-23. Review status: criteria provided, single submitter. Criteria: Dines et al. (Genet Med. 2020). Collection method: curation. Allele origin: germline.
Comment: Missense variant in a coldspot region where missense variants are very unlikely to be pathogenic (PMID:31911673).

BRCA1 coldspot (exon 11 using historical exon numbering). Reclassification based on statistical prior probability

Labcorp Genetics (formerly Invitae), Labcorp
Classification: Benign for Hereditary breast ovarian cancer syndrome. Last evaluated: 2023-01-15. Review status: criteria provided, single submitter. Criteria: Invitae Variant Classification Sherloc (09022015). Collection method: clinical testing. Allele origin: germline.

Quest Diagnostics Nichols Institute San Juan Capistrano
Classification: Uncertain significance. Last evaluated: 2017-01-20. Review status: criteria provided, single submitter. Criteria: Quest Diagnostics criteria. Collection method: clinical testing. Allele origin: germline.